The following is an entry in ClinVar:

NM_000268.4(NF2):c.1111A>G (p.Asn371Asp)

Gene: NF2 (NF2, moesin-ezrin-radixin like (MERLIN) tumor suppressor; plus strand). Cytogenetic location: 22q12.2.
Variant type: single nucleotide variant.
Coding change: c.1111A>G on transcript NM_000268.4 (MANE Select); coding-DNA position 1111, A replaced by G.
Protein change: p.Asn371Asp; replaces asparagine 371 with aspartic acid.
Molecular consequence: missense variant. On other transcripts: intron variant (1).
Genome position (GRCh38, 1-based): chr22:29,671,937, A>G. VCF-style: chr22-29671937-A-G. GRCh37 (hg19) VCF-style: chr22-30067926-A-G.
Other names: c.997A>G, p.Asn333Asp (NM_001407053.1, NM_001407056.1); c.988A>G, p.Asn330Asp (NM_001407054.1, NM_001407058.1, NM_181829.3); c.985A>G, p.Asn329Asp (NM_001407055.1, NM_181828.3); c.976A>G, p.Asn326Asp (NM_001407057.1, NM_001407059.1); c.1111A>G, p.Asn371Asp (NM_001407060.1, NM_001407066.1, NM_016418.5 and 2 more transcripts); c.853A>G, p.Asn285Asp (NM_001407062.1); c.862A>G, p.Asn288Asp (NM_001407063.1, NM_001407064.1, NM_181830.3 and 1 more transcripts); c.577A>G, p.Asn193Asp (NM_001407065.1); and 2 more; short protein forms N193D, N285D, N288D, N294D, N326D, N329D, N330D, N333D.
Identifiers: ClinVar variation 3231070 (VCV003231070.1), dbSNP rs2147073994, ClinGen allele CA411147189.

ClinVar aggregate classification (germline): Uncertain significance (1 of 4 stars; one submission).

Conditions:
Hereditary cancer-predisposing syndrome. Also called: Neoplastic Syndromes, Hereditary; Tumor predisposition; Hereditary neoplastic syndrome; Hereditary Cancer Syndrome. Identifiers: Orphanet 140162, MedGen C0027672, MeSH D009386, MONDO:0015356.

Submission:

Ambry Genetics
Classification: Uncertain significance for Hereditary cancer-predisposing syndrome. Last evaluated: 2023-11-03. Review status: criteria provided, single submitter. Criteria: Ambry Variant Classification Scheme 2023. Collection method: clinical testing. Allele origin: germline.
Comment: The p.N371D variant (also known as c.1111A>G), located in coding exon 11 of the NF2 gene, results from an A to G substitution at nucleotide position 1111. The asparagine at codon 371 is replaced by aspartic acid, an amino acid with highly similar properties. This amino acid position is conserved. In addition, the in silico prediction for this alteration is inconclusive. Since supporting evidence is limited at this time, the clinical significance of this alteration remains unclear.